The following is an entry in ClinVar:

NM_000038.6(APC):c.4168dup (p.Val1390fs)

Gene: APC (APC regulator of Wnt signaling pathway; plus strand). Cytogenetic location: 5q22.2.
Variant type: Duplication.
Coding change: c.4168dup on transcript NM_000038.6 (MANE Select); coding-DNA position 4168, one base duplicated (G; older notation c.4168dupG).
Protein change: p.Val1390fs; shifts the reading frame from valine 1390.
Molecular consequence: frameshift variant. On other transcripts: non-coding transcript variant (2).
Genome position (GRCh38, 1-based): chr5:112,839,762, G duplicated. VCF-style (leftmost placement, unchanged base first): chr5-112839761-T-TG. GRCh37 (hg19) VCF-style: chr5-112175458-T-TG.
Other names: c.4168dup, p.Val1390fs (NM_001127510.3, NM_001354895.2, NM_001407450.1); c.4114dup, p.Val1372fs (NM_001127511.3); c.4222dup, p.Val1408fs (NM_001354896.2, NM_001407447.1, NM_001407448.1 and 1 more transcripts); c.4198dup, p.Val1400fs (NM_001354897.2); c.4093dup, p.Val1365fs (NM_001354898.2); c.4084dup, p.Val1362fs (NM_001354899.2); c.4045dup, p.Val1349fs (NM_001354900.2); c.3991dup, p.Val1331fs (NM_001354901.2, NM_001407453.1); and 11 more; short protein forms V1006fs, V1264fs, V1307fs, V1362fs, V1365fs, V1261fs, V1349fs, V1372fs.
Identifiers: ClinVar variation 2841467 (VCV002841467.3), dbSNP rs2533553813, ClinGen allele CA2739273277.
Genomic context (GRCh38, chr5:112,839,761, plus strand): 5'-CAAAAGTCCACCTGAACACTATGTTCAGGAGACCCCACTCATGTTTAGCAGATGTACTTC[T>TG]GTCAGTTCACTTGATAGTTTTGAGAGTCGTTCGATTGCCAGCTCCGTTCAGAGTGAACCA-3'

ClinVar aggregate classification (germline): Pathogenic (1 of 4 stars; one submission).

Conditions:
Familial adenomatous polyposis 1 (FAP1). Also called: FAMILIAL ADENOMATOUS POLYPOSIS 1, ATTENUATED; POLYPOSIS, ADENOMATOUS INTESTINAL. Identifiers: MedGen C2713442, MONDO:0021056, OMIM 175100. Disease mechanism: loss of function.

Submission:

Labcorp Genetics (formerly Invitae), Labcorp
Classification: Pathogenic for Familial adenomatous polyposis 1. Last evaluated: 2023-02-28. Review status: criteria provided, single submitter. Criteria: Invitae Variant Classification Sherloc (09022015). Collection method: clinical testing. Allele origin: germline.
Comment: For these reasons, this variant has been classified as Pathogenic. This variant disrupts a region of the APC protein in which other variant(s) (p.Tyr2645Lysfs*14) have been determined to be pathogenic (PMID: 1316610, 8381579, 9824584, 22135120, 27081525; Invitae). This suggests that this is a clinically significant region of the protein, and that variants that disrupt it are likely to be disease-causing. This variant is expected to disrupt the EB1 and HDLG binding sites, which mediate interactions with the cytoskeleton (PMID: 15311282, 17293347). While functional studies have not been performed to directly test the effect on APC protein function, this suggests that disruption of the C-terminal portion of the protein is functionally important. This variant has not been reported in the literature in individuals affected with APC-related conditions. This variant is not present in population databases (gnomAD no frequency). This sequence change creates a premature translational stop signal (p.Val1390Glyfs*5) in the APC gene. While this is not anticipated to result in nonsense mediated decay, it is expected to disrupt the last 1454 amino acid(s) of the APC protein.

Literature cited by the submitters: PubMed 1316610; PubMed 8381579; PubMed 9824584; PubMed 22135120; PubMed 27081525; PubMed 15311282; PubMed 17293347.